The following is an entry in ClinVar:

ClinVar aggregate classification (germline): Likely pathogenic. Review status: criteria provided, multiple submitters, no conflicts (2 of 4 stars). 3 submissions from 3 submitters: Likely pathogenic (2). 1 of the submissions does not count toward it. Last evaluated 2025-01-20.

Conditions:
Autosomal recessive polycystic kidney disease (ARPKD). Also called: AR polycystic kidney disease. Identifiers: Orphanet 731, Orphanet 8378, MedGen C0085548, MeSH D017044, MONDO:0009889.
Polycystic kidney disease 4 (PKD4). Also called: POLYCYSTIC KIDNEY AND HEPATIC DISEASE 1; POLYCYSTIC KIDNEY DISEASE, INFANTILE, TYPE I; POLYCYSTIC KIDNEY DISEASE 4 WITH OR WITHOUT POLYCYSTIC LIVER DISEASE; Autosomal Recessive Polycystic Kidney Disease – PKHD1; PKD3. Identifiers: MedGen C4540575, MONDO:0033004, OMIM 263200.

Allele frequency attached by ClinVar (database versions not stated): TOPMed below 0.00001.

Submissions (3):

Natera, Inc.
Classification: Likely pathogenic for Autosomal recessive polycystic kidney disease. Last evaluated: 2025-01-20. Review status: criteria provided, single submitter. Criteria: Natera Variant Classification Schema (03/2026). Collection method: clinical testing. Allele origin: germline.
Comment: The c.8174-2A>T variant in PKHD1 is a canonical splice acceptor site variant predicted to affect pre-mRNA splicing, which may result in an abnormal transcript and altered protein product. This variant is expected to result in nonsense mediated decay, truncation, or a dysfunctional protein product. This variant is rare in the general population with a frequency below the threshold expected for the associated phenotype(s). Given the available evidence, this variant is classified as Likely Pathogenic.

Labcorp Genetics (formerly Invitae), Labcorp
Classification: Likely pathogenic for Autosomal recessive polycystic kidney disease. Last evaluated: 2023-05-05. Review status: criteria provided, single submitter. Criteria: Invitae Variant Classification Sherloc (09022015). Collection method: clinical testing. Allele origin: germline.
Comment: In summary, the currently available evidence indicates that the variant is pathogenic, but additional data are needed to prove that conclusively. Therefore, this variant has been classified as Likely Pathogenic. Algorithms developed to predict the effect of sequence changes on RNA splicing suggest that this variant may disrupt the consensus splice site. ClinVar contains an entry for this variant (Variation ID: 813377). Disruption of this splice site has been observed in individual(s) with autosomal recessive polycystic kidney disease (PMID: 33940108). This variant is not present in population databases (gnomAD no frequency). This sequence change affects an acceptor splice site in intron 51 of the PKHD1 gene. It is expected to disrupt RNA splicing. Variants that disrupt the donor or acceptor splice site typically lead to a loss of protein function (PMID: 16199547), and loss-of-function variants in PKHD1 are known to be pathogenic (PMID: 19940839).

Baylor Genetics
Classification: Likely pathogenic for Polycystic kidney disease 4. Review status: no assertion criteria provided. Collection method: clinical testing. Allele origin: unknown. Not counted in ClinVar's aggregate classification.

Literature cited by the submitters: PubMed 33940108 (cited by Labcorp Genetics (formerly Invitae), Labcorp); PubMed 16199547 (cited by Labcorp Genetics (formerly Invitae), Labcorp); PubMed 19940839 (cited by Labcorp Genetics (formerly Invitae), Labcorp).

NM_138694.4(PKHD1):c.8174-2A>T

Gene: PKHD1 (PKHD1 ciliary IPT domain containing fibrocystin/polyductin; minus strand). Cytogenetic location: 6p12.2.
Variant type: single nucleotide variant.
Coding change: c.8174-2A>T on transcript NM_138694.4 (MANE Select); the canonical splice acceptor site of the intron before coding-DNA position 8174, A replaced by T.
Molecular consequence: splice acceptor variant.
Genome position (GRCh38, 1-based): chr6:51,830,991, T>A on the plus strand (A>T on the coding strand, the complement: PKHD1 is on the minus strand). VCF-style: chr6-51830991-T-A. GRCh37 (hg19) VCF-style: chr6-51695789-T-A.
Other names: c.8174-2A>T (NM_170724.3).
Identifiers: ClinVar variation 813377 (VCV000813377.6), dbSNP rs1582925274, ClinGen allele CA364424049.
Genomic context (GRCh38, chr6:51,830,991, plus strand): 5'-ACCTTGCCATGTTTCAGGGAGGGACCATTTTAAAGCTGATTCAGGGGCAGAGGTAGAAGC[T>A]AGAAAATAAAAAAAAATTTTGAAAATCTAATCCATTGTGATAACTTCCAAATTCTATCCT-3'